The following is an entry in ClinVar:

ClinVar aggregate classification (germline): Uncertain significance (1 of 4 stars; one submission).

Conditions:
Neuronal ceroid lipofuscinosis. Also called: Neuronal Ceroid Lipofuscinoses. Identifiers: Orphanet 216, Orphanet 79263, MedGen C0027877, MONDO:0016295. Disease mechanism: loss of function.

Allele frequency attached by ClinVar (database versions not stated): gnomAD exomes below 0.00001 and 0.00001; gnomAD 0.00001; TOPMed 0.00001.
gnomAD v4.1: 2 of 1,614,060 alleles (0.00012%); highest among the groups gnomAD compares: East Asian, 0.0045%; no homozygotes.

Submission:

Labcorp Genetics (formerly Invitae), Labcorp
Classification: Uncertain significance for Neuronal ceroid lipofuscinosis. Last evaluated: 2022-02-08. Review status: criteria provided, single submitter. Criteria: Invitae Variant Classification Sherloc (09022015). Collection method: clinical testing. Allele origin: germline.
Comment: This sequence change replaces glycine, which is neutral and non-polar, with valine, which is neutral and non-polar, at codon 112 of the CLN8 protein (p.Gly112Val). This variant is present in population databases (no rsID available, gnomAD 0.02%). This variant has not been reported in the literature in individuals affected with CLN8-related conditions. Advanced modeling of protein sequence and biophysical properties (such as structural, functional, and spatial information, amino acid conservation, physicochemical variation, residue mobility, and thermodynamic stability) performed at Invitae indicates that this missense variant is expected to disrupt CLN8 protein function. Algorithms developed to predict the effect of sequence changes on RNA splicing suggest that this variant may create or strengthen a splice site. In summary, the available evidence is currently insufficient to determine the role of this variant in disease. Therefore, it has been classified as a Variant of Uncertain Significance.

NM_018941.4(CLN8):c.335G>T (p.Gly112Val)

Gene: CLN8 (CLN8 transmembrane ER and ERGIC protein; plus strand). Cytogenetic location: 8p23.3.
Variant type: single nucleotide variant.
Coding change: c.335G>T on transcript NM_018941.4 (MANE Select); coding-DNA position 335, G replaced by T.
Protein change: p.Gly112Val; replaces glycine 112 with valine.
Molecular consequence: missense variant.
Genome position (GRCh38, 1-based): chr8:1,771,389, G>T. VCF-style: chr8-1771389-G-T. GRCh37 (hg19) VCF-style: chr8-1719555-G-T.
Other names: short protein forms G112V.
Identifiers: ClinVar variation 1360122 (VCV001360122.3), dbSNP rs1304439072, ClinGen allele CA369953348.